The following is an entry in ClinVar:

NM_018249.6(CDK5RAP2):c.2424C>T (p.Phe808=)

Gene: CDK5RAP2 (CDK5 regulatory subunit associated protein 2; minus strand). Cytogenetic location: 9q33.2.
Variant type: single nucleotide variant.
Coding change: c.2424C>T on transcript NM_018249.6 (MANE Select); coding-DNA position 2424, C replaced by T.
Protein change: p.Phe808=; no amino-acid change (phenylalanine 808 retained).
Molecular consequence: synonymous variant. On other transcripts: non-coding transcript variant (5), intron variant (1).
Genome position (GRCh38, 1-based): chr9:120,453,825, G>A on the plus strand (C>T on the coding strand, the complement: CDK5RAP2 is on the minus strand). VCF-style: chr9-120453825-G-A. GRCh37 (hg19) VCF-style: chr9-123216103-G-A.
Other names: c.2424C>T, p.Phe808= (NM_001011649.3); c.2104-5699C>T (NM_001272039.2).
Identifiers: ClinVar variation 758662 (VCV000758662.11), dbSNP rs79089953, ClinGen allele CA5214067.

ClinVar aggregate classification (germline): Likely benign. Review status: criteria provided, single submitter (1 of 4 stars). 2 submissions from 2 submitters: Likely benign (1). 1 of the submissions does not count toward it. Last evaluated 2025-05-15.

Conditions:
CDK5RAP2-related disorder. Also called: CDK5RAP2-related condition.

Allele frequency attached by ClinVar (database versions not stated): gnomAD exomes 0.00003 and 0.00011; ExAC 0.00016; ESP Exome Variant Server 0.00038; gnomAD 0.00044 and 0.00046; TOPMed 0.00052; 1000 Genomes Project 30x 0.00078; 1000 Genomes Project 0.00080.
gnomAD v4.1: 113 of 1,614,192 alleles (0.007%); highest among the groups gnomAD compares: African/African-American, 0.14%; no homozygotes.

Submissions (2):

Labcorp Genetics (formerly Invitae), Labcorp
Classification: Likely benign. Last evaluated: 2025-05-15. Review status: criteria provided, single submitter. Criteria: Invitae Variant Classification Sherloc (09022015). Collection method: clinical testing. Allele origin: germline.

PreventionGenetics, part of Exact Sciences
Classification: Likely benign for CDK5RAP2-related condition. Last evaluated: 2019-04-10. Review status: no assertion criteria provided. Collection method: clinical testing. Allele origin: germline. Not counted in ClinVar's aggregate classification.
Comment: This variant is classified as likely benign based on ACMG/AMP sequence variant interpretation guidelines (Richards et al. 2015 PMID: 25741868, with internal and published modifications).